The following is an entry in ClinVar:

ClinVar aggregate classification (germline): Uncertain significance (1 of 4 stars; one submission).

Allele frequency attached by ClinVar (database versions not stated): gnomAD 0.00001; gnomAD exomes 0.00002; TOPMed 0.00002; ExAC 0.00004.
gnomAD v4.1: 25 of 1,589,686 alleles (0.0016%); highest among the groups gnomAD compares: South Asian, 0.0034%; no homozygotes.

Submission:

Labcorp Genetics (formerly Invitae), Labcorp
Classification: Uncertain significance. Last evaluated: 2022-07-19. Review status: criteria provided, single submitter. Criteria: Invitae Variant Classification Sherloc (09022015). Collection method: clinical testing. Allele origin: germline.
Comment: This sequence change replaces proline, which is neutral and non-polar, with leucine, which is neutral and non-polar, at codon 631 of the KIAA1549 protein (p.Pro631Leu). This variant is present in population databases (rs753905366, gnomAD 0.01%). This variant has not been reported in the literature in individuals affected with KIAA1549-related conditions. ClinVar contains an entry for this variant (Variation ID: 1525477). Algorithms developed to predict the effect of missense changes on protein structure and function output the following: SIFT: "Tolerated"; PolyPhen-2: "Benign"; Align-GVGD: "Class C0". The leucine amino acid residue is found in multiple mammalian species, which suggests that this missense change does not adversely affect protein function. In summary, the available evidence is currently insufficient to determine the role of this variant in disease. Therefore, it has been classified as a Variant of Uncertain Significance.

NM_001164665.2(KIAA1549):c.1892C>T (p.Pro631Leu)

Gene: KIAA1549 (KIAA1549; minus strand). Cytogenetic location: 7q34.
Variant type: single nucleotide variant.
Coding change: c.1892C>T on transcript NM_001164665.2 (MANE Select); coding-DNA position 1892, C replaced by T.
Protein change: p.Pro631Leu; replaces proline 631 with leucine.
Molecular consequence: missense variant.
Genome position (GRCh38, 1-based): chr7:138,917,734, G>A on the plus strand (C>T on the coding strand, the complement: KIAA1549 is on the minus strand). VCF-style: chr7-138917734-G-A. GRCh37 (hg19) VCF-style: chr7-138602480-G-A.
Other names: c.1892C>T, p.Pro631Leu (NM_020910.3); short protein forms P631L.
Identifiers: ClinVar variation 1525477 (VCV001525477.3), dbSNP rs753905366, ClinGen allele CA4506611.